The following is an entry in ClinVar:

ClinVar aggregate classification (germline): Uncertain significance (1 of 4 stars; one submission).

Conditions:
Familial cold autoinflammatory syndrome 3 (FCAS3). Also called: FAMILIAL ATYPICAL COLD URTICARIA; ANTIBODY DEFICIENCY AND IMMUNE DYSREGULATION, PLCG2-ASSOCIATED. Identifiers: Orphanet 300359, MedGen C3280914, MONDO:0013766, OMIM 614468.

Submission:

Labcorp Genetics (formerly Invitae), Labcorp
Classification: Uncertain significance for Familial cold autoinflammatory syndrome 3. Last evaluated: 2022-01-28. Review status: criteria provided, single submitter. Criteria: Invitae Variant Classification Sherloc (09022015). Collection method: clinical testing. Allele origin: germline.
Comment: In summary, the available evidence is currently insufficient to determine the role of this variant in disease. Therefore, it has been classified as a Variant of Uncertain Significance. Algorithms developed to predict the effect of missense changes on protein structure and function are either unavailable or do not agree on the potential impact of this missense change (SIFT: "Tolerated"; PolyPhen-2: "Possibly Damaging"; Align-GVGD: "Class C0"). This variant has not been reported in the literature in individuals affected with PLCG2-related conditions. This variant is not present in population databases (gnomAD no frequency). This sequence change replaces arginine, which is basic and polar, with proline, which is neutral and non-polar, at codon 792 of the PLCG2 protein (p.Arg792Pro).

NM_002661.5(PLCG2):c.2375G>C (p.Arg792Pro)

Gene: PLCG2 (phospholipase C gamma 2; plus strand). Cytogenetic location: 16q23.3.
Variant type: single nucleotide variant.
Coding change: c.2375G>C on transcript NM_002661.5 (MANE Select); coding-DNA position 2375, G replaced by C.
Protein change: p.Arg792Pro; replaces arginine 792 with proline.
Molecular consequence: missense variant.
Genome position (GRCh38, 1-based): chr16:81,923,552, G>C. VCF-style: chr16-81923552-G-C. GRCh37 (hg19) VCF-style: chr16-81957157-G-C.
Other names: short protein forms R792P.
Identifiers: ClinVar variation 1516646 (VCV001516646.6), dbSNP rs202210217, ClinGen allele CA396902527.